The following is an entry in ClinVar:

NM_000051.4(ATM):c.648T>G (p.Ala216=)

Gene: ATM (ATM serine/threonine kinase; plus strand). Cytogenetic location: 11q22.3.
Variant type: single nucleotide variant.
Coding change: c.648T>G on transcript NM_000051.4 (MANE Select); coding-DNA position 648, T replaced by G.
Protein change: p.Ala216=; no amino-acid change (alanine 216 retained).
Molecular consequence: synonymous variant.
Genome position (GRCh38, 1-based): chr11:108,244,104, T>G. VCF-style: chr11-108244104-T-G. GRCh37 (hg19) VCF-style: chr11-108114831-T-G.
Other names: c.648T>G, p.Ala216= (NM_001351834.2).
Identifiers: ClinVar variation 485191 (VCV000485191.15), dbSNP rs770270310, ClinGen allele CA476671481.

ClinVar aggregate classification (germline): Benign/Likely benign. Review status: criteria provided, multiple submitters, no conflicts (2 of 4 stars). 4 submissions from 4 submitters: Benign (1); Likely benign (3). Last evaluated 2025-04-23.

Conditions:
Familial cancer of breast. Also called: BREAST CANCER, FAMILIAL; Hereditary breast cancer; hereditary breast carcinoma. Identifiers: Orphanet 227535, MedGen C0346153, MONDO:0016419, OMIM 114480. Disease mechanism: loss of function.
Hereditary cancer-predisposing syndrome. Also called: Hereditary neoplastic syndrome; Neoplastic Syndromes, Hereditary; Tumor predisposition; Hereditary Cancer Syndrome. Identifiers: Orphanet 140162, MedGen C0027672, MeSH D009386, MONDO:0015356.
Ataxia-telangiectasia syndrome (AT). Also called: LOUIS-BAR SYNDROME; Cerebello-oculocutaneous telangiectasia; Immunodeficiency with ataxia telangiectasia; AT, COMPLEMENTATION GROUP C; Ataxia-telangiectasia, complementation group D; ATAXIA-TELANGIECTASIA, COMPLEMENTATION GROUP A. Identifiers: Orphanet 100, MedGen C0004135, MONDO:0008840, OMIM 208900.

gnomAD v4.1: 1 of 1,613,880 alleles (0.000062%); highest among the groups gnomAD compares: Admixed American, 0.0017%; no homozygotes.

Submissions (4):

Labcorp Genetics (formerly Invitae), Labcorp
Classification: Likely benign for Ataxia-telangiectasia syndrome. Last evaluated: 2025-04-23. Review status: criteria provided, single submitter. Criteria: Invitae Variant Classification Sherloc (09022015). Collection method: clinical testing. Allele origin: germline.

Myriad Genetics, Inc.
Classification: Benign for Familial cancer of breast. Last evaluated: 2024-04-22. Review status: criteria provided, single submitter. Criteria: Myriad Autosomal Dominant, Autosomal Recessive and X-Linked Classification Criteria (2023). Collection method: clinical testing. Allele origin: unknown.
Comment: This variant is considered benign. This variant is a silent/synonymous amino acid change and it is not expected to impact splicing.

Sema4
Classification: Likely benign for Hereditary cancer-predisposing syndrome. Last evaluated: 2021-07-21. Review status: criteria provided, single submitter. Criteria: Sema4 Curation Guidelines. Collection method: curation. Allele origin: germline.

Ambry Genetics
Classification: Likely benign for Hereditary cancer-predisposing syndrome. Last evaluated: 2016-05-09. Review status: criteria provided, single submitter. Criteria: Ambry Variant Classification Scheme 2023. Collection method: clinical testing. Allele origin: germline.